The following is an entry in ClinVar:

ClinVar aggregate classification (germline): Benign/Likely benign. Review status: criteria provided, multiple submitters, no conflicts (2 of 4 stars). 6 submissions from 6 submitters: Benign (2); Likely benign (4). Last evaluated 2026-04-15.

Conditions:
Neutrophil immunodeficiency syndrome. Also called: Immunodeficiency 73A with defective neutrophil chemotaxis and leukocytosis. Identifiers: Orphanet 183707, MedGen C1842398, MONDO:0011988, OMIM 608203.

Allele frequency attached by ClinVar (database versions not stated): 1000 Genomes Project 0.00120; 1000 Genomes Project 30x 0.00125; gnomAD 0.00209 and 0.00214; gnomAD exomes 0.00216 and 0.00271; ExAC 0.00230; ESP Exome Variant Server 0.00231; TOPMed 0.00248.
gnomAD v4.1: 3,587 of 1,614,126 alleles (0.22%); highest among the groups gnomAD compares: Middle Eastern, 1.4%; 23 homozygotes.

Submissions (6):

Women's Health and Genetics/Laboratory Corporation of America, LabCorp
Classification: Benign. Last evaluated: 2026-04-15. Review status: criteria provided, single submitter. Criteria: LabCorp Variant Classification Summary - May 2015. Collection method: clinical testing. Allele origin: germline.

Labcorp Genetics (formerly Invitae), Labcorp
Classification: Benign for Neutrophil immunodeficiency syndrome. Last evaluated: 2026-02-01. Review status: criteria provided, single submitter. Criteria: Invitae Variant Classification Sherloc (09022015). Collection method: clinical testing. Allele origin: germline.

ARUP Laboratories, Molecular Genetics and Genomics, ARUP Laboratories
Classification: Likely benign. Last evaluated: 2025-01-03. Review status: criteria provided, single submitter. Criteria: ARUP Molecular Germline Variant Investigation Process 2024. Collection method: clinical testing. Allele origin: germline.

Blueprint Genetics
Classification: Likely benign. Last evaluated: 2024-11-23. Review status: criteria provided, single submitter. Criteria: ACMG Guidelines, 2015. Collection method: clinical testing. Allele origin: germline.

GeneDx
Classification: Likely benign. Last evaluated: 2016-01-05. Review status: criteria provided, single submitter. Criteria: GeneDx Variant Classification (06012015). Collection method: clinical testing. Allele origin: germline. Affected: yes.
Comment: This variant is considered likely benign or benign based on one or more of the following criteria: it is a conservative change, it occurs at a poorly conserved position in the protein, it is predicted to be benign by multiple in silico algorithms, and/or has population frequency not consistent with disease.

Breakthrough Genomics
Classification: Likely benign. Review status: criteria provided, single submitter. Criteria: ACMG Guidelines, 2015. Collection method: not provided. Allele origin: germline. Inheritance: Autosomal recessive inheritance. Affected: yes.

NM_002872.5(RAC2):c.35+16G>A

Gene: RAC2 (Rac family small GTPase 2; minus strand). Cytogenetic location: 22q13.1.
Variant type: single nucleotide variant.
Coding change: c.35+16G>A on transcript NM_002872.5 (MANE Select); 16 bases into the intron after coding-DNA position 35, G replaced by A.
Molecular consequence: intron variant.
Genome position (GRCh38, 1-based): chr22:37,244,098, C>T on the plus strand (G>A on the coding strand, the complement: RAC2 is on the minus strand). VCF-style: chr22-37244098-C-T. GRCh37 (hg19) VCF-style: chr22-37640138-C-T.
Other names: c.35+16G>A (LRG_97t1).
Identifiers: ClinVar variation 378453 (VCV000378453.14), dbSNP rs200969255, ClinGen allele CA10217688.